The following is an entry in ClinVar:

NM_001366145.2(TRPM3):c.5070C>G (p.Ser1690=)

Genes: KLF9-DT (KLF9 divergent transcript; plus strand), TRPM3 (transient receptor potential cation channel subfamily M member 3; minus strand). Cytogenetic location: 9q21.12.
Variant type: single nucleotide variant.
Coding change: c.5070C>G on transcript NM_001366145.2 (MANE Select); coding-DNA position 5070, C replaced by G.
Protein change: p.Ser1690=; no amino-acid change (serine 1690 retained).
Molecular consequence: synonymous variant. On other transcripts: intron variant (8).
Genome position (GRCh38, 1-based): chr9:70,536,043, G>C on the plus strand (C>G on the coding strand, the complement: TRPM3 is on the minus strand). VCF-style: chr9-70536043-G-C. GRCh37 (hg19) VCF-style: chr9-73150959-G-C.
Other names: c.5034C>G, p.Ser1678= (NM_001007471.4); c.5040C>G, p.Ser1680= (NM_001366141.2, NM_001366149.2); c.5145C>G, p.Ser1715= (NM_001366147.2); c.4575C>G, p.Ser1525= (NM_020952.6); c.4611C>G, p.Ser1537= (NM_024971.7); c.4545C>G, p.Ser1515= (NM_206944.5); c.4581C>G, p.Ser1527= (NM_206945.5); c.4650C>G, p.Ser1550= (NM_206946.5); and 9 more.
Identifiers: ClinVar variation 3033457 (VCV003033457.2), dbSNP rs768647446, ClinGen allele CA5077683.
Genomic context (GRCh38, chr9:70,536,043, plus strand): 5'-AGCCGATGTTCTGGACAGTCTCCTCATGGACAGGCTGTCCCCTCGGCCCTCCGGCTTGGA[G>C]GACTTGCTTCTCTGGAAGGGATTTCGCAGGCTTGCTGTGTTCCGCTGCCTGTCGAGTTTG-3'
Protein context (NP_001353074.1, residues 1680-1700): SLRNPFQRSK[Ser1690=]SKPEGRGDSL

ClinVar aggregate classification (germline): Likely benign (0 of 4 stars; one submission).

Conditions:
TRPM3-related disorder. Also called: TRPM3-related condition.

Allele frequency attached by ClinVar (database versions not stated): ExAC 0.00007; gnomAD 0.00009.
gnomAD v4.1: 99 of 1,614,106 alleles (0.0061%); highest among the groups gnomAD compares: Admixed American, 0.018%; no homozygotes.

Submission:

PreventionGenetics, part of Exact Sciences
Classification: Likely benign for TRPM3-related condition. Last evaluated: 2019-06-11. Review status: no assertion criteria provided. Collection method: clinical testing. Allele origin: germline.
Comment: This variant is classified as likely benign based on ACMG/AMP sequence variant interpretation guidelines (Richards et al. 2015 PMID: 25741868, with internal and published modifications).